The following is an entry in ClinVar:

NM_006759.4(UGP2):c.1164A>C (p.Pro388=)

Gene: UGP2 (UDP-glucose pyrophosphorylase 2; plus strand). Cytogenetic location: 2p15.
Variant type: single nucleotide variant.
Coding change: c.1164A>C on transcript NM_006759.4 (MANE Select); coding-DNA position 1164, A replaced by C.
Protein change: p.Pro388=; no amino-acid change (proline 388 retained).
Molecular consequence: synonymous variant.
Genome position (GRCh38, 1-based): chr2:63,887,494, A>C. VCF-style: chr2-63887494-A-C. GRCh37 (hg19) VCF-style: chr2-64114628-A-C.
Other names: c.1131A>C, p.Pro377= (NM_001001521.2, NM_001377524.1, NM_001377525.1); c.804A>C, p.Pro268= (NM_001377526.1, NM_001377527.1, NM_001377528.1 and 1 more transcripts).
Identifiers: ClinVar variation 4280922 (VCV004280922.7).
Genomic context (GRCh38, chr2:63,887,494, plus strand): 5'-AGAAACTGCAGTAGGGGCTGCCATCAAAAGTTTTGAGAATTCTCTAGGTATTAATGTGCC[A>C]AGGAGCCGTTTTCTGCCTGTCAAAACCACATCAGATCTCTTGCTGGTGATGTCAAACCTC-3'
Protein context (NP_006750.3, residues 378-398): SFENSLGINV[Pro388=]RSRFLPVKTT

ClinVar aggregate classification (germline): Likely benign (1 of 4 stars; one submission).

gnomAD v4.1: 374 of 1,613,960 alleles (0.023%); highest among the groups gnomAD compares: Admixed American, 0.028%; no homozygotes.

Submission:

CeGaT Center for Human Genetics Tuebingen
Classification: Likely benign. Last evaluated: 2025-09-01. Review status: criteria provided, single submitter. Criteria: CeGaT Center For Human Genetics Tuebingen Variant Classification Criteria Version 2. Collection method: clinical testing. Allele origin: germline. Affected: yes. Observed: 1 variant allele.
Comment: UGP2: BP4, BP7